The following is an entry in ClinVar:

NM_000275.3(OCA2):c.1268G>A (p.Trp423Ter)

Gene: OCA2 (OCA2 melanosomal transmembrane protein; minus strand). Cytogenetic location: 15q13.1.
Variant type: single nucleotide variant.
Coding change: c.1268G>A on transcript NM_000275.3 (MANE Select); coding-DNA position 1268, G replaced by A.
Protein change: p.Trp423Ter; replaces tryptophan 423 with a stop codon.
Molecular consequence: nonsense.
Genome position (GRCh38, 1-based): chr15:27,985,160, C>T on the plus strand (G>A on the coding strand, the complement: OCA2 is on the minus strand). VCF-style: chr15-27985160-C-T. GRCh37 (hg19) VCF-style: chr15-28230306-C-T.
Other names: c.1196G>A, p.Trp399Ter (NM_001300984.2); short protein forms W423*, W399*.
Identifiers: ClinVar variation 2826209 (VCV002826209.4), dbSNP rs776354621, ClinGen allele CA7439099.

ClinVar aggregate classification (germline): Pathogenic. Review status: criteria provided, multiple submitters, no conflicts (2 of 4 stars). 2 submissions from 2 submitters: Pathogenic (2). Last evaluated 2024-11-22.

Conditions:
Tyrosinase-positive oculocutaneous albinism (OCA2). Also called: ALBINISM II; Albinism, oculocutaneous, type II; Oculocutaneous albinism type 2. Identifiers: Orphanet 79432, MedGen C0268495, MONDO:0008746, OMIM 203200.

Allele frequency attached by ClinVar (database versions not stated): gnomAD exomes below 0.00001; ExAC 0.00001.
gnomAD v4.1: 1 of 1,613,886 alleles (0.000062%); highest among the groups gnomAD compares: Admixed American, 0.0017%; no homozygotes.

Submissions (2):

Myriad Genetics, Inc.
Classification: Pathogenic for Tyrosinase-positive oculocutaneous albinism. Last evaluated: 2024-11-22. Review status: criteria provided, single submitter. Criteria: Myriad Autosomal Dominant, Autosomal Recessive and X-Linked Classification Criteria (2023). Collection method: clinical testing. Allele origin: unknown.
Comment: NM_000275.2(OCA2):c.1268G>A(W423*) is expected to be pathogenic in the context of oculocutaneous albinism, OCA2-related. This variant is predicted to lead to an abnormal or absent protein product due to the creation of a premature termination codon in OCA2, a gene where loss-of-function variants are known to be pathogenic. Please note: this variant was assessed in the context of healthy population screening.

Labcorp Genetics (formerly Invitae), Labcorp
Classification: Pathogenic. Last evaluated: 2023-05-19. Review status: criteria provided, single submitter. Criteria: Invitae Variant Classification Sherloc (09022015). Collection method: clinical testing. Allele origin: germline.
Comment: This premature translational stop signal has been observed in individual(s) with oculocutaneous albinism (PMID: 29345414). For these reasons, this variant has been classified as Pathogenic. The frequency data for this variant in the population databases is considered unreliable, as metrics indicate poor data quality at this position in the gnomAD database. This sequence change creates a premature translational stop signal (p.Trp423*) in the OCA2 gene. It is expected to result in an absent or disrupted protein product. Loss-of-function variants in OCA2 are known to be pathogenic (PMID: 19865097, 21541274).

Literature cited by the submitters: PubMed 29345414 (cited by Labcorp Genetics (formerly Invitae), Labcorp); PubMed 19865097 (cited by Labcorp Genetics (formerly Invitae), Labcorp); PubMed 21541274 (cited by Labcorp Genetics (formerly Invitae), Labcorp).